The following is an entry in ClinVar:

NM_007194.4(CHEK2):c.320_444del

Gene: CHEK2 (checkpoint kinase 2; minus strand). Cytogenetic location: 22q12.1.
Variant type: Deletion.
Coding change: c.320_444del on transcript NM_007194.4 (MANE Select); coding-DNA positions 320 to 444, 125 bases deleted.
Molecular consequence: splice acceptor variant.
Genome position (GRCh38, 1-based): chr22:28,725,243-28,725,367, 125 bases deleted. GRCh37 (hg19): chr22:29,121,232-29,121,356.
Identifiers: ClinVar variation 3602783 (VCV003602783.2).

ClinVar aggregate classification (germline): Likely pathogenic (1 of 4 stars; one submission).

Conditions:
Hereditary cancer-predisposing syndrome. Also called: Tumor predisposition; Hereditary neoplastic syndrome; Neoplastic Syndromes, Hereditary; Hereditary Cancer Syndrome. Identifiers: Orphanet 140162, MedGen C0027672, MeSH D009386, MONDO:0015356.

Submission:

Department of Clinical Genetics, Copenhagen University Hospital, Rigshospitalet
Classification: Likely pathogenic for Hereditary cancer-predisposing syndrome. Last evaluated: 2025-02-04. Review status: criteria provided, single submitter. Criteria: ACMG Guidelines, 2015. Collection method: clinical testing. Allele origin: germline.
Comment: PVS1; PM2_SUP